The following is an entry in ClinVar:

NM_001082486.2(ACD):c.1238C>T (p.Ala413Val)

Gene: ACD (ACD shelterin complex subunit and telomerase recruitment factor; minus strand). Cytogenetic location: 16q22.1.
Variant type: single nucleotide variant.
Coding change: c.1238C>T on transcript NM_001082486.2 (MANE Select); coding-DNA position 1238, C replaced by T.
Protein change: p.Ala413Val; replaces alanine 413 with valine.
Molecular consequence: missense variant.
Genome position (GRCh38, 1-based): chr16:67,657,822, G>A on the plus strand (C>T on the coding strand, the complement: ACD is on the minus strand). VCF-style: chr16-67657822-G-A. GRCh37 (hg19) VCF-style: chr16-67691725-G-A.
Other names: c.1229C>T, p.Ala410Val (NM_022914.3); short protein forms A413V, A410V.
Identifiers: ClinVar variation 1350898 (VCV001350898.6), dbSNP rs2052901178, ClinGen allele CA396349969.

ClinVar aggregate classification (germline): Uncertain significance (1 of 4 stars; one submission).

Conditions:
Dyskeratosis congenita, autosomal dominant 6 (DKCA6). Identifiers: Orphanet 3322, MedGen C4225284, MONDO:0014690, OMIM 616553.

Submission:

Labcorp Genetics (formerly Invitae), Labcorp
Classification: Uncertain significance for Dyskeratosis congenita, autosomal dominant 6. Last evaluated: 2022-01-03. Review status: criteria provided, single submitter. Criteria: Invitae Variant Classification Sherloc (09022015). Collection method: clinical testing. Allele origin: germline.
Comment: This sequence change replaces alanine, which is neutral and non-polar, with valine, which is neutral and non-polar, at codon 499 of the ACD protein (p.Ala499Val). This variant is not present in population databases (gnomAD no frequency). This variant has not been reported in the literature in individuals affected with ACD-related conditions. Algorithms developed to predict the effect of missense changes on protein structure and function are either unavailable or do not agree on the potential impact of this missense change (SIFT: "Tolerated"; PolyPhen-2: "Possibly Damaging"; Align-GVGD: "Class C0"). In summary, the available evidence is currently insufficient to determine the role of this variant in disease. Therefore, it has been classified as a Variant of Uncertain Significance.